The following is an entry in ClinVar:

NM_003803.4(MYOM1):c.3632A>C (p.Asp1211Ala)

Gene: MYOM1 (myomesin 1; minus strand). Cytogenetic location: 18p11.31.
Variant type: single nucleotide variant.
Coding change: c.3632A>C on transcript NM_003803.4 (MANE Select); coding-DNA position 3632, A replaced by C.
Protein change: p.Asp1211Ala; replaces aspartic acid 1211 with alanine.
Molecular consequence: missense variant.
Genome position (GRCh38, 1-based): chr18:3,100,370, T>G on the plus strand (A>C on the coding strand, the complement: MYOM1 is on the minus strand). VCF-style: chr18-3100370-T-G. GRCh37 (hg19) VCF-style: chr18-3100368-T-G.
Other names: c.3344A>C, p.Asp1115Ala (NM_019856.2); short protein forms D1211A, D1115A.
Identifiers: ClinVar variation 3401859 (VCV003401859.4).

ClinVar aggregate classification (germline): Uncertain significance. Review status: criteria provided, multiple submitters, no conflicts (2 of 4 stars). 2 submissions from 2 submitters: Uncertain significance (2). Last evaluated 2025-03-26.

Conditions:
Hypertrophic cardiomyopathy. Also called: HYPERTROPHIC MYOCARDIOPATHY. Identifiers: Orphanet 217569, MedGen C0007194, MeSH D002312, MONDO:0005045, HP:0001639.

gnomAD v4.1: 9 of 1,613,980 alleles (0.00056%); highest among the groups gnomAD compares: Admixed American, 0.015%; no homozygotes.

Submissions (2):

Ambry Genetics
Classification: Uncertain significance. Last evaluated: 2025-03-26. Review status: criteria provided, single submitter. Criteria: Ambry Variant Classification Scheme 2023. Collection method: clinical testing. Allele origin: germline.

Labcorp Genetics (formerly Invitae), Labcorp
Classification: Uncertain significance for Hypertrophic cardiomyopathy. Last evaluated: 2024-09-24. Review status: criteria provided, single submitter. Criteria: Invitae Variant Classification Sherloc (09022015). Collection method: clinical testing. Allele origin: germline.
Comment: This sequence change replaces aspartic acid, which is acidic and polar, with alanine, which is neutral and non-polar, at codon 1211 of the MYOM1 protein (p.Asp1211Ala). This variant is present in population databases (rs753860003, gnomAD 0.02%). This variant has not been reported in the literature in individuals affected with MYOM1-related conditions. Invitae Evidence Modeling of protein sequence and biophysical properties (such as structural, functional, and spatial information, amino acid conservation, physicochemical variation, residue mobility, and thermodynamic stability) indicates that this missense variant is not expected to disrupt MYOM1 protein function with a negative predictive value of 80%. In summary, the available evidence is currently insufficient to determine the role of this variant in disease. Therefore, it has been classified as a Variant of Uncertain Significance.